The following is an entry in ClinVar:

ClinVar aggregate classification (germline): Conflicting classifications of pathogenicity. Review status: criteria provided, conflicting classifications (1 of 4 stars). 11 submissions from 11 submitters: Uncertain significance (8); Likely benign (2). 1 of the submissions does not count toward it. Last evaluated 2025-12-15.

Conditions:
Familial adenomatous polyposis 2. Also called: FAP type 2; Adenomas, multiple colorectal; MUTYH Polyposis; MYH-associated polyposis; MUTYH-associated polyposis; MUTYH-related attenuated familial adenomatous polyposis. Identifiers: Orphanet 220460, Orphanet 247798, MedGen C3272841, MONDO:0012041, OMIM 608456.
Gastric cancer. Also called: Stomach cancer; Malignant tumor of stomach. Identifiers: MedGen C0024623, MeSH D013274, MONDO:0001056, OMIM 613659, HP:0012126.
Hereditary cancer-predisposing syndrome. Also called: Tumor predisposition; Neoplastic Syndromes, Hereditary; Hereditary Cancer Syndrome; Hereditary neoplastic syndrome. Identifiers: Orphanet 140162, MedGen C0027672, MeSH D009386, MONDO:0015356.

Allele frequency attached by ClinVar (database versions not stated): gnomAD 0.00001; gnomAD exomes 0.00001; ExAC 0.00002; TOPMed 0.00003; 1000 Genomes Project 30x 0.00016; 1000 Genomes Project 0.00020.

Submissions (11):

Labcorp Genetics (formerly Invitae), Labcorp
Classification: Uncertain significance for Familial adenomatous polyposis 2. Last evaluated: 2025-12-15. Review status: criteria provided, single submitter. Criteria: Invitae Variant Classification Sherloc (09022015). Collection method: clinical testing. Allele origin: germline.
Comment: This sequence change replaces serine, which is neutral and polar, with leucine, which is neutral and non-polar, at codon 324 of the MUTYH protein (p.Ser324Leu). This variant is present in population databases (rs558173961, gnomAD 0.01%). This variant has not been reported in the literature in individuals affected with MUTYH-related conditions. ClinVar contains an entry for this variant (Variation ID: 182695). An algorithm developed to predict the effect of missense changes on protein structure and function outputs the following: PolyPhen-2: "Benign". The leucine amino acid residue is found in multiple mammalian species, which suggests that this missense change does not adversely affect protein function. In summary, the available evidence is currently insufficient to determine the role of this variant in disease. Therefore, it has been classified as a Variant of Uncertain Significance.

GeneDx
Classification: Uncertain significance. Last evaluated: 2025-02-21. Review status: criteria provided, single submitter. Criteria: GeneDx Variant Classification Process June 2021. Collection method: clinical testing. Allele origin: germline. Affected: yes.
Comment: Not observed at significant frequency in large population cohorts (gnomAD); In silico analysis indicates that this missense variant does not alter protein structure/function; Observed in controls in a study of biliary tract cancer (PMID: 36243179); This variant is associated with the following publications: (PMID: 36243179)

Fulgent Genetics
Classification: Uncertain significance for Familial adenomatous polyposis 2; Gastric cancer. Last evaluated: 2024-04-25. Review status: criteria provided, single submitter. Criteria: ACMG Guidelines, 2015. Collection method: clinical testing. Allele origin: germline.

All of Us Research Program, National Institutes of Health
Classification: Uncertain significance for Familial adenomatous polyposis 2. Last evaluated: 2023-12-13. Review status: criteria provided, single submitter. Criteria: ACMG Guidelines, 2015. Collection method: clinical testing. Allele origin: germline. Inheritance: Autosomal recessive inheritance. Observed: 4 variant alleles, 4 heterozygotes.
Comment: This missense variant replaces serine with leucine at codon 324 of the MUTYH protein. Computational prediction suggests that this variant may not impact protein structure and function (internally defined REVEL score threshold <= 0.5, PMID: 27666373). To our knowledge, functional studies have not been reported for this variant. This variant has been detected in a breast cancer case-control meta-analysis in 1/60466 cases and absent in 53461 controls (PMID: 33471991). This variant has been identified in 3/251458 chromosomes in the general population by the Genome Aggregation Database (gnomAD). The available evidence is insufficient to determine the role of this variant in disease conclusively. Therefore, this variant is classified as a Variant of Uncertain Significance.

This study involves interpretation of variants in research participants for the purpose of population health screening. Participant phenotype was not available at the time of variant classification. Additional details can be found in publication PMID: 35346344, PMCID: PMC8962531

Color Diagnostics, LLC DBA Color Health
Classification: Uncertain significance for Hereditary cancer-predisposing syndrome. Last evaluated: 2023-06-01. Review status: criteria provided, single submitter. Criteria: ACMG Guidelines, 2015. Collection method: clinical testing. Allele origin: germline.
Comment: This missense variant replaces serine with leucine at codon 324 of the MUTYH protein. Computational prediction suggests that this variant may not impact protein structure and function (internally defined REVEL score threshold <= 0.5, PMID: 27666373). To our knowledge, functional studies have not been reported for this variant. This variant has been detected in a breast cancer case-control meta-analysis in 1/60466 cases and absent in 53461 controls (PMID: 33471991). This variant has been identified in 3/251458 chromosomes in the general population by the Genome Aggregation Database (gnomAD). The available evidence is insufficient to determine the role of this variant in disease conclusively. Therefore, this variant is classified as a Variant of Uncertain Significance.

Baylor Genetics
Classification: Uncertain significance for Familial adenomatous polyposis 2. Last evaluated: 2023-05-30. Review status: criteria provided, single submitter. Criteria: ACMG Guidelines, 2015. Collection method: clinical testing. Allele origin: unknown.

Women's Health and Genetics/Laboratory Corporation of America, LabCorp
Classification: Uncertain significance. Last evaluated: 2022-02-03. Review status: criteria provided, single submitter. Criteria: LabCorp Variant Classification Summary - May 2015. Collection method: clinical testing. Allele origin: germline.
Comment: Variant summary: MUTYH c.971C>T (p.Ser324Leu) results in a non-conservative amino acid change in the encoded protein sequence. Four of five in-silico tools predict a benign effect of the variant on protein function. The variant allele was found at a frequency of 1.2e-05 in 251458 control chromosomes (gnomAD). The available data on variant occurrences in the general population are insufficient to allow any conclusion about variant significance. c.971C>T has been reported in the literature in individuals affected with Breast Cancer without strong evidence for causality (Maxwell_2015, Dorling_2021). These reports do not provide unequivocal conclusions about association of the variant with MUTYH-Associated Polyposis or Hereditary Breast and Ovarian Cancer Syndrome. Co-occurrence of the variant with another pathogenic variant has been reported in our laboratory (BRCA1 c.68_69delAG, p.E23fs*17), providing supporting evidence for a benign role. To our knowledge, no experimental evidence demonstrating an impact on protein function has been reported. Seven ClinVar submitters have assessed the variant since 2014: five have classified the variant as of uncertain significance, and two as likely benign. Based on the evidence outlined above, the variant was classified as uncertain significance.

Quest Diagnostics Nichols Institute San Juan Capistrano
Classification: Uncertain significance. Last evaluated: 2020-02-21. Review status: criteria provided, single submitter. Criteria: Quest Diagnostics criteria. Collection method: clinical testing. Allele origin: unknown.

Mendelics
Classification: Likely benign for Familial adenomatous polyposis 2. Last evaluated: 2019-05-28. Review status: criteria provided, single submitter. Criteria: Mendelics Assertion Criteria 2017. Collection method: clinical testing. Allele origin: unknown.

Ambry Genetics
Classification: Likely benign for Hereditary cancer-predisposing syndrome. Last evaluated: 2018-09-24. Review status: criteria provided, single submitter. Criteria: Ambry Variant Classification Scheme 2023. Collection method: clinical testing. Allele origin: germline.

Counsyl
Classification: Uncertain significance for Familial adenomatous polyposis 2. Last evaluated: 2018-01-22. Review status: no assertion criteria provided. Collection method: clinical testing. Allele origin: unknown. Not counted in ClinVar's aggregate classification.

Literature cited by the submitters: PubMed 33471991 (cited by 3 submitters); PubMed 25503501 (cited by Women's Health and Genetics/Laboratory Corporation of America, LabCorp and Counsyl).

NM_001048174.2(MUTYH):c.887C>T (p.Ser296Leu)

Gene: MUTYH (mutY DNA glycosylase; minus strand). Cytogenetic location: 1p34.1.
Variant type: single nucleotide variant.
Coding change: c.887C>T on transcript NM_001048174.2 (MANE Select); coding-DNA position 887, C replaced by T.
Protein change: p.Ser296Leu; replaces serine 296 with leucine.
Molecular consequence: missense variant. On other transcripts: non-coding transcript variant (2).
Genome position (GRCh38, 1-based): chr1:45,332,049, G>A on the plus strand (C>T on the coding strand, the complement: MUTYH is on the minus strand). VCF-style: chr1-45332049-G-A. GRCh37 (hg19) VCF-style: chr1-45797721-G-A.
Other names: p.S324L:TCG>TTG; c.887C>T, p.Ser296Leu (NM_001048171.2, NM_001048173.2, NM_001293195.2); c.890C>T, p.Ser297Leu (NM_001048172.2); c.971C>T, p.Ser324Leu (NM_001128425.2); c.932C>T, p.Ser311Leu (NM_001293190.2); c.920C>T, p.Ser307Leu (NM_001293191.2); c.611C>T, p.Ser204Leu (NM_001293192.2, NM_001293196.2); c.542C>T, p.Ser181Leu (NM_001350650.2, NM_001350651.2); and 1 more; short protein forms S324L, S310L, S204L, S297L, S307L, S181L, S296L, S321L.
Identifiers: ClinVar variation 182695 (VCV000182695.31), dbSNP rs558173961, ClinGen allele CA014753.
Genomic context (GRCh38, chr1:45,332,049, plus strand): 5'-AAGGGTTGGGGTGGGGGCTAGGTTTGGTGCTCACCACACTCCTCCACGTCAGGACTGCCC[G>A]ACAGGCTCCCTGAGGCTAAGAGCTGTTCCTGCTCCACCTGAGAGGCACAGGGTTGAGTGT-3'
Protein context (NP_001041639.1, residues 286-306): QEQLLASGSL[Ser296Leu]GSPDVEECAP